The following is an entry in ClinVar:

ClinVar aggregate classification (germline): Likely benign (1 of 4 stars; one submission).

Submission:

CeGaT Center for Human Genetics Tuebingen
Classification: Likely benign. Last evaluated: 2022-03-01. Review status: criteria provided, single submitter. Criteria: CeGaT Center For Human Genetics Tuebingen Variant Classification Criteria Version 2. Collection method: clinical testing. Allele origin: germline. Affected: yes. Observed: 1 variant allele.
Comment: RANBP1: BP4, BP7

NM_001278639.2(RANBP1):c.243A>C (p.Ser81=)

Genes: RANBP1 (RAN binding protein 1; plus strand), TRMT2A (tRNA methyltransferase 2A; minus strand). Cytogenetic location: 22q11.21.
Variant type: single nucleotide variant.
Coding change: c.243A>C on transcript NM_001278639.2 (MANE Select); coding-DNA position 243, A replaced by C.
Protein change: p.Ser81=; no amino-acid change (serine 81 retained).
Molecular consequence: synonymous variant.
Genome position (GRCh38, 1-based): chr22:20,116,427, A>C. VCF-style: chr22-20116427-A-C. GRCh37 (hg19) VCF-style: chr22-20103950-A-C.
Other names: c.210T>G, p.Ser70= (NM_001257994.2, NM_001331039.2, NM_022727.6 and 1 more transcripts).
Identifiers: ClinVar variation 2652882 (VCV002652882.24), dbSNP rs2519342293, ClinGen allele CA513691196.
Genomic context (GRCh38, chr22:20,116,427, plus strand): 5'-CCGGACGTCGCTGAAGCTGGCGTGGCGAGGCACGTTCTGCAGCTCCAGTTTAAAGATCTC[A>C]GAGGTAAACAAGTCATCCCTGATGTAGCTGTAGAGCCCGGGCTGAGGCCCCGGCCCTGTA-3'
Protein context (NP_001265568.1, residues 71-91): GTFCSSSLKI[Ser81=]EDTHEDHDTS